The following is an entry in ClinVar:

ClinVar aggregate classification (germline): Uncertain significance (1 of 4 stars; one submission).

Submission:

Labcorp Genetics (formerly Invitae), Labcorp
Classification: Uncertain significance. Last evaluated: 2025-02-21. Review status: criteria provided, single submitter. Criteria: Invitae Variant Classification Sherloc (09022015). Collection method: clinical testing. Allele origin: germline.
Comment: This sequence change replaces leucine, which is neutral and non-polar, with phenylalanine, which is neutral and non-polar, at codon 259 of the TNNI3K protein (p.Leu259Phe). This variant is not present in population databases (gnomAD no frequency). This variant has not been reported in the literature in individuals affected with TNNI3K-related conditions. ClinVar contains an entry for this variant (Variation ID: 1470083). Invitae Evidence Modeling of protein sequence and biophysical properties (such as structural, functional, and spatial information, amino acid conservation, physicochemical variation, residue mobility, and thermodynamic stability) indicates that this missense variant is not expected to disrupt TNNI3K protein function with a negative predictive value of 80%. In summary, the available evidence is currently insufficient to determine the role of this variant in disease. Therefore, it has been classified as a Variant of Uncertain Significance.

NM_015978.3(TNNI3K):c.777G>T (p.Leu259Phe)

Genes: FPGT-TNNI3K (FPGT-TNNI3K readthrough; plus strand), TNNI3K (TNNI3 interacting kinase; plus strand). Cytogenetic location: 1p31.1.
Variant type: single nucleotide variant.
Coding change: c.777G>T on transcript NM_015978.3 (MANE Select); coding-DNA position 777, G replaced by T.
Protein change: p.Leu259Phe; replaces leucine 259 with phenylalanine.
Molecular consequence: missense variant.
Genome position (GRCh38, 1-based): chr1:74,342,936, G>T. VCF-style: chr1-74342936-G-T. GRCh37 (hg19) VCF-style: chr1-74808620-G-T.
Other names: c.1080G>T, p.Leu360Phe (NM_001112808.3, NM_001199327.2); short protein forms L259F, L360F.
Identifiers: ClinVar variation 1470083 (VCV001470083.6), dbSNP rs150107405, ClinGen allele CA340781774.
Genomic context (GRCh38, chr1:74,342,936, plus strand): 5'-CCATTTCTGTTCTCGATTTGGACACCATGATATAGTTAAGTATCTGCTGCAAAGTGATTT[G>T]GAAGTTCAACCTCATGTTGTTAATATCTATGGAGATACCCCCTTACACCTGTGAGTATTA-3'
Protein context (NP_057062.1, residues 249-269): DIVKYLLQSD[Leu259Phe]EVQPHVVNIY